The following is an entry in ClinVar:

NM_001080.3(ALDH5A1):c.578A>G (p.Gln193Arg)

Gene: ALDH5A1 (aldehyde dehydrogenase 5 family member A1; plus strand). Cytogenetic location: 6p22.3.
Variant type: single nucleotide variant.
Coding change: c.578A>G on transcript NM_001080.3 (MANE Select); coding-DNA position 578, A replaced by G.
Protein change: p.Gln193Arg; replaces glutamine 193 with arginine.
Molecular consequence: missense variant.
Genome position (GRCh38, 1-based): chr6:24,503,402, A>G. VCF-style: chr6-24503402-A-G. GRCh37 (hg19) VCF-style: chr6-24503630-A-G.
Other names: c.578A>G, p.Gln193Arg (NM_001368954.1, NM_170740.1); short protein forms Q193R.
Identifiers: ClinVar variation 5007001 (VCV005007001.2).

ClinVar aggregate classification (germline): Uncertain significance (1 of 4 stars; one submission).

Conditions:
Succinate-semialdehyde dehydrogenase deficiency (SSADHD). Also called: Succinic Semialdehyde Dehydrogenase Deficiency; SSADH DEFICIENCY; 4-HYDROXYBUTYRIC ACIDURIA; GABA METABOLIC DEFECT. Identifiers: Orphanet 22, MedGen C0268631, MONDO:0010083, OMIM 271980.

gnomAD v4.1: 4 of 1,613,610 alleles (0.00025%); highest among the groups gnomAD compares: East Asian, 0.0022%; no homozygotes.

Submission:

Juno Genomics, Hangzhou Juno Genomics, Inc
Classification: Uncertain significance for Succinate-semialdehyde dehydrogenase deficiency. Review status: criteria provided, single submitter. Criteria: ACMG Guidelines, 2015. Collection method: clinical testing. Allele origin: germline.
Comment: Absent from controls (or at extremely low frequency if recessive) in Genome Aggregation Database.;Multiple lines of computational evidence support a deleterious effect on the gene or gene product.